The following is an entry in ClinVar:

ClinVar aggregate classification (germline): Uncertain significance. Review status: criteria provided, multiple submitters, no conflicts (2 of 4 stars). 2 submissions from 2 submitters: Uncertain significance (2). Last evaluated 2025-12-05.

Allele frequency attached by ClinVar (database versions not stated): TOPMed 0.00005; gnomAD 0.00001; gnomAD exomes 0.00007.
gnomAD v4.1: 17 of 1,541,210 alleles (0.0011%); highest among the groups gnomAD compares: Admixed American, 0.035%; no homozygotes.

Submissions (2):

GeneDx
Classification: Uncertain significance. Last evaluated: 2025-12-05. Review status: criteria provided, single submitter. Criteria: GeneDx Variant Classification Process June 2021. Collection method: clinical testing. Allele origin: germline.
Comment: In silico analysis supports that this missense variant has a deleterious effect on protein structure/function; Has not been previously published as pathogenic or benign to our knowledge

Labcorp Genetics (formerly Invitae), Labcorp
Classification: Uncertain significance. Last evaluated: 2024-12-03. Review status: criteria provided, single submitter. Criteria: Invitae Variant Classification Sherloc (09022015). Collection method: clinical testing. Allele origin: germline.
Comment: This sequence change replaces threonine, which is neutral and polar, with serine, which is neutral and polar, at codon 2018 of the UNC80 protein (p.Thr2018Ser). This variant is present in population databases (no rsID available, gnomAD 0.04%). This variant has not been reported in the literature in individuals affected with UNC80-related conditions. ClinVar contains an entry for this variant (Variation ID: 1424592). Invitae Evidence Modeling of protein sequence and biophysical properties (such as structural, functional, and spatial information, amino acid conservation, physicochemical variation, residue mobility, and thermodynamic stability) indicates that this missense variant is not expected to disrupt UNC80 protein function with a negative predictive value of 80%. In summary, the available evidence is currently insufficient to determine the role of this variant in disease. Therefore, it has been classified as a Variant of Uncertain Significance.

NM_001371986.1(UNC80):c.6250A>T (p.Thr2084Ser)

Gene: UNC80 (unc-80 subunit of NALCN channel complex; plus strand). Cytogenetic location: 2q34.
Variant type: single nucleotide variant.
Coding change: c.6250A>T on transcript NM_001371986.1 (MANE Select); coding-DNA position 6250, A replaced by T.
Protein change: p.Thr2084Ser; replaces threonine 2084 with serine.
Molecular consequence: missense variant.
Genome position (GRCh38, 1-based): chr2:209,935,785, A>T. VCF-style: chr2-209935785-A-T. GRCh37 (hg19) VCF-style: chr2-210800509-A-T.
Other names: c.6052A>T, p.Thr2018Ser (NM_032504.2); c.6037A>T, p.Thr2013Ser (NM_182587.4); c.6052A>T (NM_032504.1); short protein forms T2013S, T2018S, T2084S.
Identifiers: ClinVar variation 1424592 (VCV001424592.6), dbSNP rs956787391, ClinGen allele CA65042021.